The following is an entry in ClinVar:

ClinVar aggregate classification (germline): Uncertain significance (1 of 4 stars; one submission).

gnomAD v4.1: 28 of 1,614,104 alleles (0.0017%); highest among the groups gnomAD compares: Non-Finnish European, 0.002%; no homozygotes.

Submission:

GeneDx
Classification: Uncertain significance. Last evaluated: 2025-08-15. Review status: criteria provided, single submitter. Criteria: GeneDx Variant Classification Process June 2021. Collection method: clinical testing. Allele origin: germline. Affected: yes.
Comment: In silico analysis supports that this missense variant has a deleterious effect on protein structure/function; Has not been previously published as pathogenic or benign to our knowledge

NM_021035.3(ZNFX1):c.2743G>A (p.Glu915Lys)

Gene: ZNFX1 (zinc finger NFX1-type containing 1; minus strand). Cytogenetic location: 20q13.13.
Variant type: single nucleotide variant.
Coding change: c.2743G>A on transcript NM_021035.3 (MANE Select); coding-DNA position 2743, G replaced by A.
Protein change: p.Glu915Lys; replaces glutamic acid 915 with lysine.
Molecular consequence: missense variant.
Genome position (GRCh38, 1-based): chr20:49,255,869, C>T on the plus strand (G>A on the coding strand, the complement: ZNFX1 is on the minus strand). VCF-style: chr20-49255869-C-T. GRCh37 (hg19) VCF-style: chr20-47872406-C-T.
Other names: short protein forms E915K.
Identifiers: ClinVar variation 4795463 (VCV004795463.1).